The following is an entry in ClinVar:

ClinVar aggregate classification (germline): Conflicting classifications of pathogenicity. Review status: criteria provided, conflicting classifications (1 of 4 stars). 4 submissions from 4 submitters: Pathogenic (1); Likely pathogenic (2); Uncertain significance (1). Last evaluated 2025-12-18.

Conditions:
Multiple congenital anomalies-hypotonia-seizures syndrome 2 (MCAHS2). Also called: EPILEPTIC ENCEPHALOPATHY, EARLY INFANTILE, 20; GLYCOSYLPHOSPHATIDYLINOSITOL BIOSYNTHESIS DEFECT 4. Identifiers: Orphanet 300496, MedGen C3275508, MONDO:0010466, OMIM 300868.
Neurodevelopmental disorder with epilepsy and hemochromatosis (NEDEPH). Identifiers: MedGen CN307964, OMIM 301072.
Paroxysmal nocturnal hemoglobinuria 1 (PNH1). Identifiers: Orphanet 447, MedGen C3806670, MONDO:0010438, OMIM 300818.

Submissions (4):

Neurology Department, Soochow Children's Hospital
Classification: Likely pathogenic for Multiple congenital anomalies-hypotonia-seizures syndrome 2. Last evaluated: 2025-12-18. Review status: criteria provided, single submitter. Criteria: ACMG Guidelines, 2015. Collection method: clinical testing. Allele origin: de novo. Inheritance: X-linked recessive inheritance. Affected: yes. Observed: 1 hemizygote.
Comment: PIGA: NM_002641.4: Exon2: c.241C> T was a de novo variant verified by parents in the family sample (PS2); The variant in PIGA; GPI anchor biosynthesis functional domain (PM1); The variant was not found in the genome database, human exon database (exac), reference population thousand human genome (1000g) and population genome mutation frequency database (gnomad) (PM2); The results predicted by multiple statistical methods (revert) showed that the mutation had harmful effects on genes or gene products (PP3); To sum up, according to the applied ACMG standard, the variation conforms to the classification standard of like pathogenic: (PS2+PM1+PM2+PP3)

Labcorp Genetics (formerly Invitae), Labcorp
Classification: Pathogenic for Multiple congenital anomalies-hypotonia-seizures syndrome 2. Last evaluated: 2024-01-30. Review status: criteria provided, single submitter. Criteria: Invitae Variant Classification Sherloc (09022015). Collection method: clinical testing. Allele origin: germline.
Comment: This sequence change replaces arginine, which is basic and polar, with cysteine, which is neutral and slightly polar, at codon 81 of the PIGA protein (p.Arg81Cys). This variant is not present in population databases (gnomAD no frequency). This missense change has been observed in individual(s) with PIGA-related conditions (PMID: 25326635, 32220244, 33763700). In at least one individual the variant was observed to be de novo. ClinVar contains an entry for this variant (Variation ID: 561081). Advanced modeling of protein sequence and biophysical properties (such as structural, functional, and spatial information, amino acid conservation, physicochemical variation, residue mobility, and thermodynamic stability) performed at Invitae indicates that this missense variant is expected to disrupt PIGA protein function with a positive predictive value of 80%. For these reasons, this variant has been classified as Pathogenic.

Baylor Genetics
Classification: Uncertain significance for Multiple congenital anomalies-hypotonia-seizures syndrome 2. Last evaluated: 2017-09-01. Review status: criteria provided, single submitter. Criteria: ACMG Guidelines, 2015. Collection method: clinical testing. Allele origin: de novo. Inheritance: X-linked inheritance. Affected: yes.

Juno Genomics, Hangzhou Juno Genomics, Inc
Classification: Likely pathogenic for Multiple congenital anomalies-hypotonia-seizures syndrome 2; Neurodevelopmental disorder with epilepsy and hemochromatosis; Paroxysmal nocturnal hemoglobinuria 1. Review status: criteria provided, single submitter. Criteria: ACMG Guidelines, 2015. Collection method: clinical testing. Allele origin: germline. Affected: yes.
Comment: Absent from controls (or at extremely low frequency if recessive) in Genome Aggregation Database.;De novo (both maternity and paternity confirmed) in a patient with the disease and no family history.;Multiple lines of computational evidence support a deleterious effect on the gene or gene product.;The prevalence of the variant in affected individuals is significantly increased compared to the prevalence in controls.;Patient's phenotype or family history is highly specific for a disease with a single genetic etiology.

Literature cited by the submitters: PubMed 32901917 (cited by Neurology Department, Soochow Children's Hospital); PubMed 25326635 (cited by Labcorp Genetics (formerly Invitae), Labcorp and Baylor Genetics); PubMed 32220244 (cited by Labcorp Genetics (formerly Invitae), Labcorp); PubMed 33763700 (cited by Labcorp Genetics (formerly Invitae), Labcorp).

NM_002641.4(PIGA):c.241C>T (p.Arg81Cys)

Gene: PIGA (phosphatidylinositol glycan anchor biosynthesis class A; minus strand). Cytogenetic location: Xp22.2.
Variant type: single nucleotide variant.
Coding change: c.241C>T on transcript NM_002641.4 (MANE Select); coding-DNA position 241, C replaced by T.
Protein change: p.Arg81Cys; replaces arginine 81 with cysteine.
Molecular consequence: missense variant. On other transcripts: non-coding transcript variant (1), intron variant (1).
Genome position (GRCh38, 1-based): chrX:15,331,690, G>A on the plus strand (C>T on the coding strand, the complement: PIGA is on the minus strand). VCF-style: chrX-15331690-G-A. GRCh37 (hg19) VCF-style: chrX-15349812-G-A.
Other names: c.13+3811C>T (NM_020473.3); short protein forms R81C.
Identifiers: ClinVar variation 561081 (VCV000561081.12), dbSNP rs1569180071, ClinGen allele CA412340936.